The following is an entry in ClinVar:

NM_002439.5(MSH3):c.3302+2T>A

Gene: MSH3 (mutS homolog 3; plus strand). Cytogenetic location: 5q14.1.
Variant type: single nucleotide variant.
Coding change: c.3302+2T>A on transcript NM_002439.5 (MANE Select); the canonical splice donor site of the intron after coding-DNA position 3302, T replaced by A.
Molecular consequence: splice donor variant.
Genome position (GRCh38, 1-based): chr5:80,873,289, T>A. VCF-style: chr5-80873289-T-A. GRCh37 (hg19) VCF-style: chr5-80169108-T-A.
Other names: c.3302+2T>A (NM_002439.3).
Identifiers: ClinVar variation 2104488 (VCV002104488.7), dbSNP rs1269791493, ClinGen allele CA360347230.
Genomic context (GRCh38, chr5:80,873,289, plus strand): 5'-ATTTTGAAGAAAGCAGCTCACAAGTCAAAAGAGCTGGAAGGATTAATAAATACGAAAAGG[T>A]CAGAGTGATTATGCTGCATTTTTTCATTTGTAATGAAACCTTCTAAGTTGTCCAAGAAAG-3'

ClinVar aggregate classification (germline): Conflicting classifications of pathogenicity. Review status: criteria provided, conflicting classifications (1 of 4 stars). 3 submissions from 3 submitters: Likely pathogenic (1); Uncertain significance (2). Last evaluated 2025-11-07.

Conditions:
Hereditary cancer-predisposing syndrome. Also called: Hereditary Cancer Syndrome; Tumor predisposition; Neoplastic Syndromes, Hereditary; Hereditary neoplastic syndrome. Identifiers: Orphanet 140162, MedGen C0027672, MeSH D009386, MONDO:0015356.
Familial adenomatous polyposis 4 (FAP4). Also called: MSH3-related attenuated familial adenomatous polyposis. Identifiers: Orphanet 480536, MedGen C4310719, MONDO:0044300, OMIM 617100.

Submissions (3):

Ambry Genetics
Classification: Uncertain significance for Hereditary cancer-predisposing syndrome. Last evaluated: 2025-11-07. Review status: criteria provided, single submitter. Criteria: Ambry Variant Classification Scheme 2023. Collection method: clinical testing. Allele origin: germline.
Comment: The c.3302+2T>A intronic variant results from a T to A substitution two nucleotides after coding exon 23 in the MSH3 gene. This alteration occurs at the 3' terminus of the MSH3 gene, is not expected to trigger nonsense-mediated mRNA decay, and only impacts the last 8.3% of the protein. The exact functional effect of this alteration is unknown. This nucleotide position is highly conserved in available vertebrate species. In silico splice site analysis predicts that this alteration will weaken the native splice donor site. Based on the available evidence, the clinical significance of this variant remains unclear.

Labcorp Genetics (formerly Invitae), Labcorp
Classification: Uncertain significance. Last evaluated: 2025-08-11. Review status: criteria provided, single submitter. Criteria: Invitae Variant Classification Sherloc (09022015). Collection method: clinical testing. Allele origin: germline.
Comment: This sequence change affects a donor splice site in intron 23 of the MSH3 gene. While this variant is not anticipated to result in nonsense mediated decay, it likely alters RNA splicing and results in a disrupted protein product. This variant is not present in population databases (gnomAD no frequency). This variant has not been reported in the literature in individuals affected with MSH3-related conditions. ClinVar contains an entry for this variant (Variation ID: 2104488). Variants that disrupt the consensus splice site are a relatively common cause of aberrant splicing (PMID: 17576681, 9536098). Algorithms developed to predict the effect of sequence changes on RNA splicing suggest that this variant may disrupt the consensus splice site. In summary, the available evidence is currently insufficient to determine the role of this variant in disease. Therefore, it has been classified as a Variant of Uncertain Significance.

Myriad Genetics, Inc.
Classification: Likely pathogenic for Familial adenomatous polyposis 4. Last evaluated: 2023-08-31. Review status: criteria provided, single submitter. Criteria: Myriad Autosomal Dominant, Autosomal Recessive and X-Linked Classification Criteria (2023). Collection method: clinical testing. Allele origin: unknown.
Comment: This variant is considered likely pathogenic. This variant occurs within a consensus splice junction and is predicted to result in abnormal mRNA splicing of either an out-of-frame exon or an in-frame exon necessary for protein stability and/or normal function.

Literature cited by the submitters: PubMed 17576681 (cited by Labcorp Genetics (formerly Invitae), Labcorp); PubMed 9536098 (cited by Labcorp Genetics (formerly Invitae), Labcorp).